The following is an entry in ClinVar:

NM_001164508.2(NEB):c.23803_23806del (p.Arg7935fs)

Genes: NEB (nebulin; minus strand), RIF1 (replication timing regulatory factor 1; plus strand). Cytogenetic location: 2q23.3.
Variant type: Microsatellite.
Coding change: c.23803_23806del on transcript NM_001164508.2 (MANE Select); coding-DNA positions 23803 to 23806, 4 bases deleted (AGAG; older notation c.23803_23806delAGAG).
Protein change: p.Arg7935fs; shifts the reading frame from arginine 7935.
Molecular consequence: frameshift variant.
Genome position (GRCh38, 1-based): chr2:151,503,378-151,503,381, CTCT deleted on the plus strand (AGAG on the coding strand, the reverse complement: NEB is on the minus strand); deleting any 4 consecutive bases within chr2:151,503,378-151,503,384 gives the same sequence; the c. name uses the placement nearest the transcript's 3' end. VCF-style (leftmost placement, unchanged base first): chr2-151503377-ACTCT-A. GRCh37 (hg19) VCF-style: chr2-152359891-ACTCT-A.
Other names: c.23803_23806del, p.Arg7935fs (NM_001164507.2); c.23908_23911del, p.Arg7970fs (NM_001271208.2); c.18700_18703del, p.Arg6234fs (NM_004543.5); short protein forms R7970fs, R6234fs, R7935fs.
Identifiers: ClinVar variation 2734283 (VCV002734283.5), dbSNP rs753192734, ClinGen allele CA758865527.

ClinVar aggregate classification (germline): Pathogenic. Review status: criteria provided, multiple submitters, no conflicts (2 of 4 stars). 2 submissions from 2 submitters: Pathogenic (2). Last evaluated 2023-01-27.

Conditions:
Nemaline myopathy 2 (NEM2). Also called: Nemaline myopathy 2, autosomal recessive. Identifiers: MedGen C1850569, MONDO:0009725, OMIM 256030.
Arthrogryposis multiplex congenita 6. Identifiers: MedGen C5543431, MONDO:0030281, OMIM 619334.

Submissions (2):

Labcorp Genetics (formerly Invitae), Labcorp
Classification: Pathogenic for Nemaline myopathy 2. Last evaluated: 2023-01-27. Review status: criteria provided, single submitter. Criteria: Invitae Variant Classification Sherloc (09022015). Collection method: clinical testing. Allele origin: germline.
Comment: This premature translational stop signal has been observed in individual(s) with nemaline myopathy (PMID: 27105866, 29669168). This variant is not present in population databases (gnomAD no frequency). This sequence change creates a premature translational stop signal (p.Arg7970Serfs*48) in the NEB gene. It is expected to result in an absent or disrupted protein product. Loss-of-function variants in NEB are known to be pathogenic (PMID: 25205138). For these reasons, this variant has been classified as Pathogenic.

Juno Genomics, Hangzhou Juno Genomics, Inc
Classification: Pathogenic for Arthrogryposis multiplex congenita 6; Nemaline myopathy 2. Review status: criteria provided, single submitter. Criteria: ACMG Guidelines, 2015. Collection method: clinical testing. Allele origin: germline.
Comment: Null variant in a gene where loss of function (LOF) is a known mechanism of disease.;Absent from controls (or at extremely low frequency if recessive) in Genome Aggregation Database.;Patient's phenotype or family history is highly specific for a disease with a single genetic etiology.

Literature cited by the submitters: PubMed 27105866 (cited by Labcorp Genetics (formerly Invitae), Labcorp); PubMed 29669168 (cited by Labcorp Genetics (formerly Invitae), Labcorp); PubMed 25205138 (cited by Labcorp Genetics (formerly Invitae), Labcorp).